The following is an entry in ClinVar:

NM_001164586.2(IGFN1):c.6147G>A (p.Lys2049=)

Gene: IGFN1 (immunoglobulin like and fibronectin type III domain containing 1; plus strand). Cytogenetic location: 1q32.1.
Variant type: single nucleotide variant.
Coding change: c.6147G>A on transcript NM_001164586.2 (MANE Select); coding-DNA position 6147, G replaced by A.
Protein change: p.Lys2049=; no amino-acid change (lysine 2049 retained).
Molecular consequence: synonymous variant. On other transcripts: intron variant (1).
Genome position (GRCh38, 1-based): chr1:201,211,040, G>A. VCF-style: chr1-201211040-G-A. GRCh37 (hg19) VCF-style: chr1-201180168-G-A.
Other names: c.1242-2466G>A (NM_001367841.1).
Identifiers: ClinVar variation 2639762 (VCV002639762.24), dbSNP rs534562140, ClinGen allele CA1322716.
Genomic context (GRCh38, chr1:201,211,040, plus strand): 5'-GGATGAGGCAGGTTATAGGAAGGATTTGGGGGCTCCTGAGAGAATAGGTTCAGGAAGTAA[G>A]GCAGGTTTTAGGGATGGTTTAGGGAGTTCTGTAGAAATGGGGTCAGTGAATGAGGCAGGT-3'
Protein context (NP_001158058.1, residues 2039-2059): GAPERIGSGS[Lys2049=]AGFRDGLGSS

ClinVar aggregate classification (germline): Likely benign (1 of 4 stars; one submission).

Allele frequency attached by ClinVar (database versions not stated): 1000 Genomes Project 0.00080; ExAC 0.00278; gnomAD 0.00349; gnomAD exomes 0.00659.
gnomAD v4.1: 9,407 of 1,500,622 alleles (0.63%); highest among the groups gnomAD compares: Non-Finnish European, 0.76%; 47 homozygotes.

Submission:

CeGaT Center for Human Genetics Tuebingen
Classification: Likely benign. Last evaluated: 2025-10-01. Review status: criteria provided, single submitter. Criteria: CeGaT Center For Human Genetics Tuebingen Variant Classification Criteria Version 2. Collection method: clinical testing. Allele origin: germline. Affected: yes. Observed: 6 variant alleles.
Comment: IGFN1: BP4, BP7, BS2